The following is an entry in ClinVar:

NM_017636.4(TRPM4):c.1122G>A (p.Glu374=)

Gene: TRPM4 (transient receptor potential cation channel subfamily M member 4; plus strand). Cytogenetic location: 19q13.33.
Variant type: single nucleotide variant.
Coding change: c.1122G>A on transcript NM_017636.4 (MANE Select); coding-DNA position 1122, G replaced by A.
Protein change: p.Glu374=; no amino-acid change (glutamic acid 374 retained).
Molecular consequence: synonymous variant. On other transcripts: 5 prime UTR variant (1), intron variant (1).
Genome position (GRCh38, 1-based): chr19:49,172,080, G>A. VCF-style: chr19-49172080-G-A. GRCh37 (hg19) VCF-style: chr19-49675337-G-A.
Other names: c.1122G>A, p.Glu374= (NM_001195227.2); c.777G>A, p.Glu259= (NM_001321281.2); c.-432G>A (NM_001321282.2); c.600G>A, p.Glu200= (NM_001321283.2); c.201+311G>A (NM_001321285.2).
Identifiers: ClinVar variation 3329252 (VCV003329252.2).

ClinVar aggregate classification (germline): Conflicting classifications of pathogenicity. Review status: criteria provided, conflicting classifications (1 of 4 stars). 2 submissions from 2 submitters: Uncertain significance (1); Likely benign (1). Last evaluated 2026-01-09.

Conditions:
Progressive familial heart block type IB (PFHB1B). Identifiers: Orphanet 871, MedGen C1970298, MONDO:0011474, OMIM 604559.
Cardiovascular phenotype. Identifiers: MedGen CN230736.

Submissions (2):

Labcorp Genetics (formerly Invitae), Labcorp
Classification: Likely benign for Progressive familial heart block type IB. Last evaluated: 2026-01-09. Review status: criteria provided, single submitter. Criteria: Invitae Variant Classification Sherloc (09022015). Collection method: clinical testing. Allele origin: germline.

Ambry Genetics
Classification: Uncertain significance for Cardiovascular phenotype. Last evaluated: 2024-06-13. Review status: criteria provided, single submitter. Criteria: Ambry Variant Classification Scheme 2023. Collection method: clinical testing. Allele origin: germline.
Comment: The c.1122G>A variant (also known as p.E374E), located in coding exon 9 of the TRPM4 gene, results from a G to A substitution at nucleotide position 1122. This nucleotide substitution does not change the amino acid at codon 374. This nucleotide position is well conserved in available vertebrate species. In silico splice site analysis for this alteration is inconclusive. Based on the available evidence, the clinical significance of this variant remains unclear.